The following is an entry in ClinVar:

NM_001017420.3(ESCO2):c.354T>G (p.Ser118=)

Gene: ESCO2 (establishment of sister chromatid cohesion N-acetyltransferase 2; plus strand). Cytogenetic location: 8p21.1.
Variant type: single nucleotide variant.
Coding change: c.354T>G on transcript NM_001017420.3 (MANE Select); coding-DNA position 354, T replaced by G.
Protein change: p.Ser118=; no amino-acid change (serine 118 retained).
Molecular consequence: synonymous variant.
Genome position (GRCh38, 1-based): chr8:27,776,662, T>G. VCF-style: chr8-27776662-T-G. GRCh37 (hg19) VCF-style: chr8-27634179-T-G.
Identifiers: ClinVar variation 2658505 (VCV002658505.24), dbSNP rs2486627336, ClinGen allele CA460188301.
Genomic context (GRCh38, chr8:27,776,662, plus strand): 5'-GAGAAAGCTGATAAAAGAGAGTAGATCTACTTGTCTAAAAACTAATGATGAAGATAAATC[T>G]TTTCCCATTGTGACAGAAAAAATGCAAGGAAAACCAGTCTGCTCCAAGAAGAACAACAAA-3'
Protein context (NP_001017420.1, residues 108-128): TCLKTNDEDK[Ser118=]FPIVTEKMQG

ClinVar aggregate classification (germline): Likely benign (1 of 4 stars; one submission).

Allele frequency attached by ClinVar (database versions not stated): gnomAD exomes below 0.00001.
gnomAD v4.1: 1 of 1,613,786 alleles (0.000062%); highest among the groups gnomAD compares: African/African-American, 0.0013%; no homozygotes.

Submission:

CeGaT Center for Human Genetics Tuebingen
Classification: Likely benign. Last evaluated: 2022-09-01. Review status: criteria provided, single submitter. Criteria: CeGaT Center For Human Genetics Tuebingen Variant Classification Criteria Version 2. Collection method: clinical testing. Allele origin: germline. Affected: yes. Observed: 1 variant allele.
Comment: ESCO2: PM2:Supporting, BP4, BP7